The following is an entry in ClinVar:

ClinVar aggregate classification (germline): Uncertain significance (1 of 4 stars; one submission).

Conditions:
Duchenne muscular dystrophy (DMD). Also called: MUSCULAR DYSTROPHY, PSEUDOHYPERTROPHIC PROGRESSIVE, DUCHENNE TYPE; Duchenne Muscular Dystrophy (DMD). Identifiers: Orphanet 98896, MedGen C0013264, MONDO:0010679, OMIM 310200.

Allele frequency attached by ClinVar (database versions not stated): gnomAD exomes below 0.00001.
gnomAD v4.1: 1 of 1,197,753 alleles (0.000083%); highest among the groups gnomAD compares: South Asian, 0.0018%; no homozygotes.

Submission:

Labcorp Genetics (formerly Invitae), Labcorp
Classification: Uncertain significance for Duchenne muscular dystrophy. Last evaluated: 2022-10-03. Review status: criteria provided, single submitter. Criteria: Invitae Variant Classification Sherloc (09022015). Collection method: clinical testing. Allele origin: germline.
Comment: In summary, the available evidence is currently insufficient to determine the role of this variant in disease. Therefore, it has been classified as a Variant of Uncertain Significance. Advanced modeling of protein sequence and biophysical properties (such as structural, functional, and spatial information, amino acid conservation, physicochemical variation, residue mobility, and thermodynamic stability) performed at Invitae indicates that this missense variant is not expected to disrupt DMD protein function. This variant has not been reported in the literature in individuals affected with DMD-related conditions. This variant is not present in population databases (gnomAD no frequency). This sequence change replaces glutamine, which is neutral and polar, with arginine, which is basic and polar, at codon 284 of the DMD protein (p.Gln284Arg).

NM_004006.3(DMD):c.851A>G (p.Gln284Arg)

Gene: DMD (dystrophin; minus strand). Cytogenetic location: Xp21.1.
Variant type: single nucleotide variant.
Coding change: c.851A>G on transcript NM_004006.3 (MANE Select); coding-DNA position 851, A replaced by G.
Protein change: p.Gln284Arg; replaces glutamine 284 with arginine.
Molecular consequence: missense variant.
Genome position (GRCh38, 1-based): chrX:32,697,979, T>C on the plus strand (A>G on the coding strand, the complement: DMD is on the minus strand). VCF-style: chrX-32697979-T-C. GRCh37 (hg19) VCF-style: chrX-32716096-T-C.
Other names: c.827A>G, p.Gln276Arg (NM_000109.4); c.839A>G, p.Gln280Arg (NM_004009.3); c.482A>G, p.Gln161Arg (NM_004010.3); short protein forms Q161R, Q276R, Q280R, Q284R.
Identifiers: ClinVar variation 2182280 (VCV002182280.3), dbSNP rs2521105102, ClinGen allele CA412668729.